The following is an entry in ClinVar:

NM_001042492.3(NF1):c.7350A>T (p.Arg2450=)

Gene: NF1 (neurofibromin 1; plus strand). Cytogenetic location: 17q11.2.
Variant type: single nucleotide variant.
Coding change: c.7350A>T on transcript NM_001042492.3 (MANE Select); coding-DNA position 7350, A replaced by T.
Protein change: p.Arg2450=; no amino-acid change (arginine 2450 retained).
Molecular consequence: synonymous variant.
Genome position (GRCh38, 1-based): chr17:31,350,211, A>T. VCF-style: chr17-31350211-A-T. GRCh37 (hg19) VCF-style: chr17-29677229-A-T.
Other names: c.7287A>T, p.Arg2429= (NM_000267.4).
Identifiers: ClinVar variation 4860954 (VCV004860954.2).

ClinVar aggregate classification (germline): Benign/Likely benign. Review status: criteria provided, multiple submitters, no conflicts (2 of 4 stars). 2 submissions from 2 submitters: Benign (1); Likely benign (1). Last evaluated 2026-09-23.

Conditions:
Neurofibromatosis, type 1 (NF1). Also called: VON RECKLINGHAUSEN DISEASE; NEUROFIBROMATOSIS, TYPE I, SOMATIC; Peripheral type neurofibromatosis; Neurofibromatosis, type I. Identifiers: Orphanet 636, MedGen C0027831, MONDO:0018975, OMIM 162200. Disease mechanism: loss of function.
Hereditary cancer-predisposing syndrome. Also called: Neoplastic Syndromes, Hereditary; Tumor predisposition; Hereditary neoplastic syndrome; Hereditary Cancer Syndrome. Identifiers: Orphanet 140162, MedGen C0027672, MeSH D009386, MONDO:0015356.
Cardiovascular phenotype. Identifiers: MedGen CN230736.

Submissions (2):

Myriad Genetics, Inc.
Classification: Benign for Neurofibromatosis, type 1. Last evaluated: 2026-09-23. Review status: criteria provided, single submitter. Criteria: Myriad Autosomal Dominant, Autosomal Recessive and X-Linked Classification Criteria (2023). Collection method: clinical testing. Allele origin: unknown.
Comment: This variant is considered benign. This variant is a silent/synonymous amino acid change and it is not expected to impact splicing.

Ambry Genetics
Classification: Likely benign for Cardiovascular phenotype; Hereditary cancer-predisposing syndrome. Last evaluated: 2026-05-01. Review status: criteria provided, single submitter. Criteria: Ambry Variant Classification Scheme 2023. Collection method: clinical testing. Allele origin: germline.